The following is an entry in ClinVar:

ClinVar aggregate classification (germline): Uncertain significance (1 of 4 stars; one submission).

gnomAD v4.1: 16 of 1,611,388 alleles (0.00099%); highest among the groups gnomAD compares: Admixed American, 0.027%; no homozygotes.

Submission:

Labcorp Genetics (formerly Invitae), Labcorp
Classification: Uncertain significance. Last evaluated: 2026-01-03. Review status: criteria provided, single submitter. Criteria: Invitae Variant Classification Sherloc (09022015). Collection method: clinical testing. Allele origin: germline.
Comment: This sequence change replaces leucine, which is neutral and non-polar, with phenylalanine, which is neutral and non-polar, at codon 199 of the LIPN protein (p.Leu199Phe). This variant is present in population databases (rs773353942, gnomAD 0.05%). This variant has not been reported in the literature in individuals affected with LIPN-related conditions. An algorithm developed to predict the effect of missense changes on protein structure and function (PolyPhen-2) suggests that this variant is likely to be disruptive. In summary, the available evidence is currently insufficient to determine the role of this variant in disease. Therefore, it has been classified as a Variant of Uncertain Significance.

NM_001102469.2(LIPN):c.597G>T (p.Leu199Phe)

Gene: LIPN (lipase family member N; plus strand). Cytogenetic location: 10q23.31.
Variant type: single nucleotide variant.
Coding change: c.597G>T on transcript NM_001102469.2 (MANE Select); coding-DNA position 597, G replaced by T.
Protein change: p.Leu199Phe; replaces leucine 199 with phenylalanine.
Molecular consequence: missense variant.
Genome position (GRCh38, 1-based): chr10:88,768,853, G>T. VCF-style: chr10-88768853-G-T. GRCh37 (hg19) VCF-style: chr10-90528610-G-T.
Other names: short protein forms L199F.
Identifiers: ClinVar variation 4744290 (VCV004744290.1).